The following is an entry in ClinVar:

NM_000038.6(APC):c.136-3506G>T

Gene: APC (APC regulator of WNT signaling pathway; plus strand). Cytogenetic location: 5q22.2.
Variant type: single nucleotide variant.
Coding change: c.136-3506G>T on transcript NM_000038.6 (MANE Select); 3506 bases into the intron before coding-DNA position 136, G replaced by T.
Molecular consequence: intron variant.
Genome position (GRCh38, 1-based): chr5:112,762,820, G>T. VCF-style: chr5-112762820-G-T. GRCh37 (hg19) VCF-style: chr5-112098517-G-T.
Other names: c.136-3506G>T (NM_001354895.2, NM_001127510.3, NM_001354896.2 and 2 more transcripts); c.166-3506G>T (NM_001354897.2, NM_001354902.2, NM_001127511.3); c.61-3506G>T (NM_001354898.2, NM_001354904.2); c.-900-3506G>T (NM_001354906.2); c.-42-3506G>T (NM_001354900.2, NM_001354901.2, NM_001354905.2).
Identifiers: ClinVar variation 82380 (VCV000082380.2), dbSNP rs76529795, ClinGen allele CA004726.
Genomic context (GRCh38, chr5:112,762,820, plus strand): 5'-ACATGGGTGTGAAAATTCACTGGATATTTAGGATTAGTGTATTTTACATATGTGTGTTGT[G>T]CCTCAATAAAACAGGAAAAAAATTACTTGAGGTCAGTTTTTATTGTGGAATAGCCATAAA-3'

ClinVar aggregate classification (germline): other (0 of 4 stars; one submission).

Conditions:
Familial colorectal cancer. Identifiers: MedGen CN280943, MONDO:0023113. Disease mechanism: loss of function.

Submission:

Systems Biology Platform Zhejiang California International NanoSystems Institute
Classification: other for Familial colorectal cancer. Review status: no assertion criteria provided. Collection method: not provided. Allele origin: unknown.
ClinVar note: Converted during submission from cancer to other.